The following is an entry in ClinVar:

ClinVar aggregate classification (germline): Conflicting classifications of pathogenicity. Review status: criteria provided, conflicting classifications (1 of 4 stars). 6 submissions from 4 submitters: Uncertain significance (2); Benign (2); Likely benign (2). Last evaluated 2025-10-07.

Conditions:
Mitochondrial complex II deficiency, nuclear type 1. Also called: SUCCINATE CoQ REDUCTASE DEFICIENCY. Identifiers: Orphanet 3208, MedGen C5700310, MONDO:0100294, OMIM 252011.
Pheochromocytoma/paraganglioma syndrome 5. Also called: Paragangliomas 5; SDHA-Related Hereditary Paraganglioma-Pheochromocytoma Syndrome. Identifiers: Orphanet 29072, MedGen C3279992, MONDO:0013602, OMIM 614165.
Hereditary cancer-predisposing syndrome. Also called: Neoplastic Syndromes, Hereditary; Tumor predisposition; Hereditary neoplastic syndrome; Hereditary Cancer Syndrome. Identifiers: Orphanet 140162, MedGen C0027672, MeSH D009386, MONDO:0015356.
Leigh syndrome (NULS). Also called: LEIGH SYNDROME, NUCLEAR; Leigh's syndrome; Leigh's necrotizing encephalopathy; Leigh's disease; Leigh Syndrome (mtDNA deletion); Leigh Disease. Identifiers: Orphanet 506, MedGen C2931891, MONDO:0009723, OMIM 256000.
Hereditary pheochromocytoma and paraganglioma. Also called: Hereditary Paraganglioma-Pheochromocytoma Syndromes; Hereditary paragangliomas and pheochromocytomas; Hereditary pheochromocytoma-paraganglioma. Identifiers: Orphanet 29072, MedGen C4274332, MONDO:0017366.

Allele frequency attached by ClinVar (database versions not stated): gnomAD 0.00001; gnomAD exomes 0.00001 and 0.00004; TOPMed 0.00001; ExAC 0.00002; 1000 Genomes Project 0.00020; 1000 Genomes Project 30x 0.00031.
gnomAD v4.1: 14 of 1,614,118 alleles (0.00087%); highest among the groups gnomAD compares: East Asian, 0.029%; no homozygotes.

Submissions (6):

Labcorp Genetics (formerly Invitae), Labcorp
Classification: Likely benign for Pheochromocytoma/paraganglioma syndrome 5; Mitochondrial complex II deficiency, nuclear type 1. Last evaluated: 2025-10-07. Review status: criteria provided, single submitter. Criteria: Invitae Variant Classification Sherloc (09022015). Collection method: clinical testing. Allele origin: germline.

Myriad Genetics, Inc.
Classification: Benign for Pheochromocytoma/paraganglioma syndrome 5. Last evaluated: 2025-03-03. Review status: criteria provided, single submitter. Criteria: Myriad Autosomal Dominant, Autosomal Recessive and X-Linked Classification Criteria (2023). Collection method: clinical testing. Allele origin: unknown.
Comment: This variant is considered benign. This variant is a silent/synonymous amino acid change and it is not expected to impact splicing.

Ambry Genetics
Classification: Likely benign for Hereditary cancer-predisposing syndrome. Last evaluated: 2020-09-13. Review status: criteria provided, single submitter. Criteria: Ambry Variant Classification Scheme 2023. Collection method: clinical testing. Allele origin: germline.

Illumina Laboratory Services, Illumina
Classification: Benign for Hereditary Paraganglioma-Pheochromocytoma Syndromes. Last evaluated: 2018-01-12. Review status: criteria provided, single submitter. Criteria: ICSL Variant Classification Criteria 13 December 2019. Collection method: clinical testing. Allele origin: germline.
Comment: This variant was observed in the ICSL laboratory as part of a predisposition screen in an ostensibly healthy population. It had not been previously curated by ICSL or reported in the Human Gene Mutation Database (HGMD: prior to June 1st, 2018), and was therefore a candidate for classification through an automated scoring system. Utilizing variant allele frequency, disease prevalence and penetrance estimates, and inheritance mode, an automated score was calculated to assess if this variant is too frequent to cause the disease. Based on the score and internal cut-off values, a variant classified as benign is not then subjected to further curation. The score for this variant resulted in a classification of benign for this disease.

Illumina Laboratory Services, Illumina
Classification: Uncertain significance for Mitochondrial complex II deficiency, nuclear type 1. Last evaluated: 2018-01-12. Review status: criteria provided, single submitter. Criteria: ICSL Variant Classification Criteria 13 December 2019. Collection method: clinical testing. Allele origin: germline.

Illumina Laboratory Services, Illumina
Classification: Uncertain significance for Leigh syndrome. Last evaluated: 2018-01-12. Review status: criteria provided, single submitter. Criteria: ICSL Variant Classification Criteria 13 December 2019. Collection method: clinical testing. Allele origin: germline.

NM_004168.4(SDHA):c.558C>T (p.Ala186=)

Gene: SDHA (succinate dehydrogenase complex flavoprotein subunit A; plus strand). Cytogenetic location: 5p15.33.
Variant type: single nucleotide variant.
Coding change: c.558C>T on transcript NM_004168.4 (MANE Select); coding-DNA position 558, C replaced by T.
Protein change: p.Ala186=; no amino-acid change (alanine 186 retained).
Molecular consequence: synonymous variant.
Genome position (GRCh38, 1-based): chr5:225,984, C>T. VCF-style: chr5-225984-C-T. GRCh37 (hg19) VCF-style: chr5-226099-C-T.
Other names: c.414C>T, p.Ala138= (NM_001294332.2); c.558C>T, p.Ala186= (NM_001330758.2).
Identifiers: ClinVar variation 539705 (VCV000539705.17), dbSNP rs199618059, ClinGen allele CA3172877.